The following is an entry in ClinVar:

ClinVar aggregate classification (germline): Uncertain significance (1 of 4 stars; one submission).

Conditions:
Charcot-Marie-Tooth disease dominant intermediate E. Also called: CHARCOT-MARIE-TOOTH NEUROPATHY WITH FOCAL SEGMENTAL GLOMERULONEPHRITIS. Identifiers: Orphanet 93114, MedGen C4302667, MONDO:0013758, OMIM 614455.
Focal segmental glomerulosclerosis 5 (FSGS5). Identifiers: Orphanet 656, MedGen C2750475, MONDO:0013191, OMIM 613237.

Allele frequency attached by ClinVar (database versions not stated): gnomAD exomes below 0.00001; gnomAD 0.00001; TOPMed 0.00001; ExAC 0.00002.
gnomAD v4.1: 8 of 1,592,576 alleles (0.0005%); highest among the groups gnomAD compares: Middle Eastern, 0.017%; no homozygotes.

Submission:

Labcorp Genetics (formerly Invitae), Labcorp
Classification: Uncertain significance for Charcot-Marie-Tooth disease dominant intermediate E; Focal segmental glomerulosclerosis 5. Last evaluated: 2024-07-24. Review status: criteria provided, single submitter. Criteria: Invitae Variant Classification Sherloc (09022015). Collection method: clinical testing. Allele origin: germline.
Comment: This sequence change replaces arginine, which is basic and polar, with lysine, which is basic and polar, at codon 1222 of the INF2 protein (p.Arg1222Lys). The frequency data for this variant in the population databases is considered unreliable, as metrics indicate poor data quality at this position in the gnomAD database. This variant has not been reported in the literature in individuals affected with INF2-related conditions. Advanced modeling of protein sequence and biophysical properties (such as structural, functional, and spatial information, amino acid conservation, physicochemical variation, residue mobility, and thermodynamic stability) performed at Invitae indicates that this missense variant is not expected to disrupt INF2 protein function with a negative predictive value of 95%. In summary, the available evidence is currently insufficient to determine the role of this variant in disease. Therefore, it has been classified as a Variant of Uncertain Significance.

NM_022489.4(INF2):c.3665G>A (p.Arg1222Lys)

Gene: INF2 (inverted formin 2; plus strand). Cytogenetic location: 14q32.33.
Variant type: single nucleotide variant.
Coding change: c.3665G>A on transcript NM_022489.4 (MANE Select); coding-DNA position 3665, G replaced by A.
Protein change: p.Arg1222Lys; replaces arginine 1222 with lysine.
Molecular consequence: missense variant.
Genome position (GRCh38, 1-based): chr14:104,714,827, G>A. VCF-style: chr14-104714827-G-A. GRCh37 (hg19) VCF-style: chr14-105181164-G-A.
Other names: c.3665G>A, p.Arg1222Lys (NM_001031714.4, NM_001426862.1, NM_001426863.1 and 2 more transcripts); short protein forms R1222K.
Identifiers: ClinVar variation 2926683 (VCV002926683.3), dbSNP rs755067241, ClinGen allele CA7373339.